The following is an entry in ClinVar:

ClinVar aggregate classification (germline): Benign. Review status: criteria provided, single submitter (1 of 4 stars). 2 submissions from 2 submitters: Benign (1). 1 of the submissions does not count toward it. Last evaluated 2018-07-02.

Conditions:
KIF4B-related disorder. Also called: KIF4B-related condition.

Allele frequency attached by ClinVar (database versions not stated): ESP Exome Variant Server 0.00023; gnomAD exomes 0.00044 and 0.00081; ExAC 0.00053; gnomAD 0.00078 and 0.00080; TOPMed 0.00089; 1000 Genomes Project 0.00100; 1000 Genomes Project 30x 0.00141.

Submissions (2):

Labcorp Genetics (formerly Invitae), Labcorp
Classification: Benign. Last evaluated: 2018-07-02. Review status: criteria provided, single submitter. Criteria: Invitae Variant Classification Sherloc (09022015). Collection method: clinical testing. Allele origin: germline.

PreventionGenetics, part of Exact Sciences
Classification: Likely benign for KIF4B-related condition. Last evaluated: 2019-07-16. Review status: no assertion criteria provided. Collection method: clinical testing. Allele origin: germline. Not counted in ClinVar's aggregate classification.
Comment: This variant is classified as likely benign based on ACMG/AMP sequence variant interpretation guidelines (Richards et al. 2015 PMID: 25741868, with internal and published modifications).

NM_001099293.3(KIF4B):c.1638C>T (p.Asn546=)

Gene: KIF4B (kinesin family member 4B; plus strand). Cytogenetic location: 5q33.2.
Variant type: single nucleotide variant.
Coding change: c.1638C>T on transcript NM_001099293.3 (MANE Select); coding-DNA position 1638, C replaced by T.
Protein change: p.Asn546=; no amino-acid change (asparagine 546 retained).
Molecular consequence: synonymous variant.
Genome position (GRCh38, 1-based): chr5:155,015,497, C>T. VCF-style: chr5-155015497-C-T. GRCh37 (hg19) VCF-style: chr5-154395057-C-T.
Identifiers: ClinVar variation 710797 (VCV000710797.5), dbSNP rs191490719, ClinGen allele CA3530058.